The following is an entry in ClinVar:

ClinVar aggregate classification (germline): Likely pathogenic (1 of 4 stars; one submission).

Conditions:
Wolfram syndrome 1 (WFS1). Identifiers: Orphanet 3463, MedGen C4551693, MONDO:0009101, OMIM 222300.

Submission:

3billion
Classification: Likely pathogenic for Wolfram syndrome 1. Last evaluated: 2025-06-24. Review status: criteria provided, single submitter. Criteria: ACMG Guidelines, 2015. Collection method: clinical testing. Allele origin: germline. Affected: yes.
Comment: The variant is not observed in the gnomAD v4.1.0 dataset. Predicted Consequence/Location: Stop-gained (nonsense): predicted to result in a loss or disruption of normal protein function through nonsense-mediated decay (NMD) or protein truncation. Multiple pathogenic variants are reported downstream of the variant. Therefore, this variant is classified as Likely pathogenic according to the recommendation of ACMG/AMP guideline.

NM_006005.3(WFS1):c.95C>A (p.Ser32Ter)

Gene: WFS1 (wolframin ER transmembrane glycoprotein; plus strand). Cytogenetic location: 4p16.1.
Variant type: single nucleotide variant.
Coding change: c.95C>A on transcript NM_006005.3 (MANE Select); coding-DNA position 95, C replaced by A.
Protein change: p.Ser32Ter; replaces serine 32 with a stop codon.
Molecular consequence: nonsense.
Genome position (GRCh38, 1-based): chr4:6,277,550, C>A. VCF-style: chr4-6277550-C-A. GRCh37 (hg19) VCF-style: chr4-6279277-C-A.
Other names: c.95C>A, p.Ser32Ter (NM_001145853.1); short protein forms S32*.
Identifiers: ClinVar variation 4855280 (VCV004855280.1).
Genomic context (GRCh38, chr4:6,277,550, plus strand): 5'-GCCCACAGCCCCCGCCAGCACCGCAGCCCCAGGCGCGTTCCCGACTCAATGCCACAGCCT[C>A]GTTGGAGCAGGAGAGGAGCGAAAGGCCCCGAGCACCCGGACCCCAGGCTGGCCCTGGCCC-3'